The following is an entry in ClinVar:

ClinVar aggregate classification (germline): Uncertain significance (1 of 4 stars; one submission).

Submission:

Ambry Genetics
Classification: Uncertain significance. Last evaluated: 2023-12-22. Review status: criteria provided, single submitter. Criteria: Ambry Variant Classification Scheme 2023. Collection method: clinical testing. Allele origin: germline.
Comment: The p.P1265S variant (also known as c.3793C>T), located in coding exon 16 of the POLQ gene, results from a C to T substitution at nucleotide position 3793. The proline at codon 1265 is replaced by serine, an amino acid with similar properties. This amino acid position is conserved. In addition, this alteration is predicted to be tolerated by in silico analysis. Since supporting evidence is limited at this time, the clinical significance of this alteration remains unclear.

NM_199420.4(POLQ):c.3793C>T (p.Pro1265Ser)

Gene: POLQ (DNA polymerase theta; minus strand). Cytogenetic location: 3q13.33.
Variant type: single nucleotide variant.
Coding change: c.3793C>T on transcript NM_199420.4 (MANE Select); coding-DNA position 3793, C replaced by T.
Protein change: p.Pro1265Ser; replaces proline 1265 with serine.
Molecular consequence: missense variant.
Genome position (GRCh38, 1-based): chr3:121,489,138, G>A on the plus strand (C>T on the coding strand, the complement: POLQ is on the minus strand). VCF-style: chr3-121489138-G-A. GRCh37 (hg19) VCF-style: chr3-121207985-G-A.
Other names: short protein forms P1265S.
Identifiers: ClinVar variation 3229963 (VCV003229963.1), dbSNP rs2546786934, ClinGen allele CA354097231.